The following is an entry in ClinVar:

ClinVar aggregate classification (germline): Likely pathogenic (1 of 4 stars; one submission).

Submission:

Mayo Clinic Laboratories, Mayo Clinic
Classification: Likely pathogenic. Last evaluated: 2023-06-07. Review status: criteria provided, single submitter. Criteria: ACMG Guidelines, 2015. Collection method: clinical testing. Allele origin: germline. Observed: 1 variant allele.
Comment: PM2, PVS1

NM_000037.4(ANK1):c.5218G>T (p.Glu1740Ter)

Gene: ANK1 (ankyrin 1; minus strand). Cytogenetic location: 8p11.21.
Variant type: single nucleotide variant.
Coding change: c.5218G>T on transcript NM_000037.4 (MANE Select); coding-DNA position 5218, G replaced by T.
Protein change: p.Glu1740Ter; replaces glutamic acid 1740 with a stop codon.
Molecular consequence: nonsense.
Genome position (GRCh38, 1-based): chr8:41,668,443, C>A on the plus strand (G>T on the coding strand, the complement: ANK1 is on the minus strand). VCF-style: chr8-41668443-C-A. GRCh37 (hg19) VCF-style: chr8-41525961-C-A.
Other names: p.Glu1740*; c.5341G>T, p.Glu1781Ter (NM_001142446.2); c.5218G>T, p.Glu1740Ter (NM_020475.3, NM_020476.3); c.4732G>T, p.Glu1578Ter (NM_020477.3); short protein forms E1578*, E1740*, E1781*.
Identifiers: ClinVar variation 2683360 (VCV002683360.1), dbSNP rs2487606714, ClinGen allele CA371051591.